The following is an entry in ClinVar:

NM_006031.6(PCNT):c.3478G>C (p.Asp1160His)

Gene: PCNT (pericentrin; plus strand). Cytogenetic location: 21q22.3.
Variant type: single nucleotide variant.
Coding change: c.3478G>C on transcript NM_006031.6 (MANE Select); coding-DNA position 3478, G replaced by C.
Protein change: p.Asp1160His; replaces aspartic acid 1160 with histidine.
Molecular consequence: missense variant.
Genome position (GRCh38, 1-based): chr21:46,388,755, G>C. VCF-style: chr21-46388755-G-C. GRCh37 (hg19) VCF-style: chr21-47808670-G-C.
Other names: c.3124G>C, p.Asp1042His (NM_001315529.2); short protein forms D1160H, D1042H.
Identifiers: ClinVar variation 2105878 (VCV002105878.4), dbSNP rs1484849339, ClinGen allele CA410574658.

ClinVar aggregate classification (germline): Uncertain significance (1 of 4 stars; one submission).

gnomAD v4.1: 2 of 1,613,884 alleles (0.00012%); highest among the groups gnomAD compares: Non-Finnish European, 0.000085%; no homozygotes.

Submission:

Labcorp Genetics (formerly Invitae), Labcorp
Classification: Uncertain significance. Last evaluated: 2024-05-29. Review status: criteria provided, single submitter. Criteria: Invitae Variant Classification Sherloc (09022015). Collection method: clinical testing. Allele origin: germline.
Comment: This sequence change replaces aspartic acid, which is acidic and polar, with histidine, which is basic and polar, at codon 1160 of the PCNT protein (p.Asp1160His). This variant is not present in population databases (gnomAD no frequency). This variant has not been reported in the literature in individuals affected with PCNT-related conditions. ClinVar contains an entry for this variant (Variation ID: 2105878). An algorithm developed to predict the effect of missense changes on protein structure and function (PolyPhen-2) suggests that this variant is likely to be disruptive. In summary, the available evidence is currently insufficient to determine the role of this variant in disease. Therefore, it has been classified as a Variant of Uncertain Significance.